The following is an entry in ClinVar:

ClinVar aggregate classification (germline): Uncertain significance. Review status: criteria provided, multiple submitters, no conflicts (2 of 4 stars). 2 submissions from 2 submitters: Uncertain significance (2). Last evaluated 2023-02-16.

Conditions:
Sclerosteosis 2 (SOST2). Identifiers: Orphanet 3152, MedGen C3280402, MONDO:0013679, OMIM 614305.
Cenani-Lenz syndactyly syndrome. Also called: SYNDACTYLY, TYPE VII; CENANI SYNDACTYLISM. Identifiers: Orphanet 3258, MedGen C1859309, MONDO:0008931, OMIM 212780.
Congenital myasthenic syndrome 17. Identifiers: Orphanet 590, MedGen C4225377, MONDO:0014578, OMIM 616304.
Inborn genetic diseases. Identifiers: MedGen C0950123, MeSH D030342.

Allele frequency attached by ClinVar (database versions not stated): ExAC 0.00001; gnomAD 0.00001; gnomAD exomes 0.00001; TOPMed 0.00001.
gnomAD v4.1: 20 of 1,613,668 alleles (0.0012%); highest among the groups gnomAD compares: Admixed American, 0.017%; no homozygotes.

Submissions (2):

Ambry Genetics
Classification: Uncertain significance for Inborn genetic diseases. Last evaluated: 2023-02-16. Review status: criteria provided, single submitter. Criteria: Ambry Variant Classification Scheme 2023. Collection method: clinical testing. Allele origin: germline.

Labcorp Genetics (formerly Invitae), Labcorp
Classification: Uncertain significance for Cenani-Lenz syndactyly syndrome; Sclerosteosis 2; Congenital myasthenic syndrome 17. Last evaluated: 2022-06-03. Review status: criteria provided, single submitter. Criteria: Invitae Variant Classification Sherloc (09022015). Collection method: clinical testing. Allele origin: germline.
Comment: Algorithms developed to predict the effect of missense changes on protein structure and function are either unavailable or do not agree on the potential impact of this missense change (SIFT: "Deleterious"; PolyPhen-2: "Benign"; Align-GVGD: "Class C0"). This variant has not been reported in the literature in individuals affected with LRP4-related conditions. This variant is present in population databases (rs780980400, gnomAD 0.0009%). This sequence change replaces histidine, which is basic and polar, with arginine, which is basic and polar, at codon 77 of the LRP4 protein (p.His77Arg). In summary, the available evidence is currently insufficient to determine the role of this variant in disease. Therefore, it has been classified as a Variant of Uncertain Significance.

NM_002334.4(LRP4):c.230A>G (p.His77Arg)

Gene: LRP4 (LDL receptor related protein 4; minus strand). Cytogenetic location: 11p11.2.
Variant type: single nucleotide variant.
Coding change: c.230A>G on transcript NM_002334.4 (MANE Select); coding-DNA position 230, A replaced by G.
Protein change: p.His77Arg; replaces histidine 77 with arginine.
Molecular consequence: missense variant.
Genome position (GRCh38, 1-based): chr11:46,900,348, T>C on the plus strand (A>G on the coding strand, the complement: LRP4 is on the minus strand). VCF-style: chr11-46900348-T-C. GRCh37 (hg19) VCF-style: chr11-46921899-T-C.
Other names: c.230A>G (NM_002334.3); short protein forms H77R.
Identifiers: ClinVar variation 2046311 (VCV002046311.4), dbSNP rs780980400, ClinGen allele CA5970569.